The following is an entry in ClinVar:

NM_144670.6(A2ML1):c.3832A>C (p.Ile1278Leu)

Gene: A2ML1 (alpha-2-macroglobulin like 1; plus strand). Cytogenetic location: 12p13.31.
Variant type: single nucleotide variant.
Coding change: c.3832A>C on transcript NM_144670.6 (MANE Select); coding-DNA position 3832, A replaced by C.
Protein change: p.Ile1278Leu; replaces isoleucine 1278 with leucine.
Molecular consequence: missense variant.
Genome position (GRCh38, 1-based): chr12:8,867,956, A>C. VCF-style: chr12-8867956-A-C. GRCh37 (hg19) VCF-style: chr12-9020552-A-C.
Other names: c.2359A>C, p.Ile787Leu (NM_001282424.3); short protein forms I787L, I1278L.
Identifiers: ClinVar variation 2165077 (VCV002165077.4), dbSNP rs1944476460, ClinGen allele CA383844114.
Genomic context (GRCh38, chr12:8,867,956, plus strand): 5'-CCATCTGAGGAGATCAACCTGGTTGTAAAATCCACTGAGAATTTCCAGCGCACATTCAAC[A>C]TACAGTCAGTTAACAGATTGGTATTTCAGCAGGATACCCTGCCCAATGTCCCTGGAATGT-3'
Protein context (NP_653271.3, residues 1268-1288): STENFQRTFN[Ile1278Leu]QSVNRLVFQQ

ClinVar aggregate classification (germline): Uncertain significance (1 of 4 stars; one submission).

Allele frequency attached by ClinVar (database versions not stated): TOPMed below 0.00001; gnomAD 0.00001.
gnomAD v4.1: 1 of 1,614,134 alleles (0.000062%); highest among the groups gnomAD compares: Admixed American, 0.0017%; no homozygotes.

Submission:

Labcorp Genetics (formerly Invitae), Labcorp
Classification: Uncertain significance. Last evaluated: 2022-08-27. Review status: criteria provided, single submitter. Criteria: Invitae Variant Classification Sherloc (09022015). Collection method: clinical testing. Allele origin: germline.
Comment: This sequence change replaces isoleucine, which is neutral and non-polar, with leucine, which is neutral and non-polar, at codon 1278 of the A2ML1 protein (p.Ile1278Leu). This variant is not present in population databases (gnomAD no frequency). This variant has not been reported in the literature in individuals affected with A2ML1-related conditions. Algorithms developed to predict the effect of missense changes on protein structure and function (SIFT, PolyPhen-2, Align-GVGD) all suggest that this variant is likely to be tolerated. In summary, the available evidence is currently insufficient to determine the role of this variant in disease. Therefore, it has been classified as a Variant of Uncertain Significance.